The following is an entry in ClinVar:

NM_139276.3(STAT3):c.626C>T (p.Ala209Val)

Gene: STAT3 (signal transducer and activator of transcription 3; minus strand). Cytogenetic location: 17q21.2.
Variant type: single nucleotide variant.
Coding change: c.626C>T on transcript NM_139276.3 (MANE Select); coding-DNA position 626, C replaced by T.
Protein change: p.Ala209Val; replaces alanine 209 with valine.
Molecular consequence: missense variant.
Genome position (GRCh38, 1-based): chr17:42,337,782, G>A on the plus strand (C>T on the coding strand, the complement: STAT3 is on the minus strand). VCF-style: chr17-42337782-G-A. GRCh37 (hg19) VCF-style: chr17-40489800-G-A.
Other names: c.626C>T, p.Ala209Val (NM_001369512.1, NM_001369513.1, NM_001369514.1 and 7 more transcripts); short protein forms A209V.
Identifiers: ClinVar variation 853523 (VCV000853523.10), dbSNP rs1356637796, ClinGen allele CA399594084.

ClinVar aggregate classification (germline): Uncertain significance (1 of 4 stars; one submission).

Conditions:
Hyper-IgE recurrent infection syndrome 1, autosomal dominant. Also called: Hyper-IgE recurrent infection syndrome 1; HYPER-IgE SYNDROME 1, AUTOSOMAL DOMINANT, WITH RECURRENT INFECTIONS; JOB SYNDROME; Job's Syndrome; STAT3 Hyper IgE Syndrome. Identifiers: Orphanet 2314, MedGen C2936739, MONDO:0007818, OMIM 147060.
STAT3 gain of function. Identifiers: MedGen C4288261.

Allele frequency attached by ClinVar (database versions not stated): gnomAD exomes below 0.00001; TOPMed below 0.00001.
gnomAD v4.1: 3 of 1,614,224 alleles (0.00019%); highest among the groups gnomAD compares: East Asian, 0.0022%; no homozygotes.

Submission:

Labcorp Genetics (formerly Invitae), Labcorp
Classification: Uncertain significance for STAT3 gain of function; Hyper-IgE recurrent infection syndrome 1, autosomal dominant. Last evaluated: 2019-04-18. Review status: criteria provided, single submitter. Criteria: Invitae Variant Classification Sherloc (09022015). Collection method: clinical testing. Allele origin: germline.
Comment: This sequence change replaces alanine with valine at codon 209 of the STAT3 protein (p.Ala209Val). The alanine residue is moderately conserved and there is a small physicochemical difference between alanine and valine. This variant is not present in population databases (ExAC no frequency). This variant has not been reported in the literature in individuals with STAT3-related disease. Algorithms developed to predict the effect of missense changes on protein structure and function (SIFT, PolyPhen-2, Align-GVGD) all suggest that this variant is likely to be tolerated, but these predictions have not been confirmed by published functional studies and their clinical significance is uncertain. In summary, the available evidence is currently insufficient to determine the role of this variant in disease. Therefore, it has been classified as a Variant of Uncertain Significance.